The following is an entry in ClinVar:

NM_080680.3(COL11A2):c.3827G>C (p.Gly1276Ala)

Gene: COL11A2 (collagen type XI alpha 2 chain; minus strand). Cytogenetic location: 6p21.32.
Variant type: single nucleotide variant.
Coding change: c.3827G>C on transcript NM_080680.3 (MANE Select); coding-DNA position 3827, G replaced by C.
Protein change: p.Gly1276Ala; replaces glycine 1276 with alanine.
Molecular consequence: missense variant.
Genome position (GRCh38, 1-based): chr6:33,168,980, C>G on the plus strand (G>C on the coding strand, the complement: COL11A2 is on the minus strand). VCF-style: chr6-33168980-C-G. GRCh37 (hg19) VCF-style: chr6-33136757-C-G.
Other names: c.3506G>C, p.Gly1169Ala (NM_080679.3); c.3569G>C, p.Gly1190Ala (NM_080681.3); short protein forms G1276A, G1169A, G1190A.
Identifiers: ClinVar variation 2116161 (VCV002116161.6), dbSNP rs2534685364, ClinGen allele CA363627147.

ClinVar aggregate classification (germline): Conflicting classifications of pathogenicity. Review status: criteria provided, conflicting classifications (1 of 4 stars). 3 submissions from 3 submitters: Likely pathogenic (1); Uncertain significance (2). Last evaluated 2024-06-14.

Conditions:
Fibrochondrogenesis 2 (FBCG2). Identifiers: Orphanet 2021, MedGen C3281128, MONDO:0013795, OMIM 614524.
Otospondylomegaepiphyseal dysplasia, autosomal dominant (OSMEDA). Also called: COL11A2-Related Stickler Syndrome; Pierre Robin syndrome with fetal chondrodysplasia; Stickler syndrome, type 3. Identifiers: Orphanet 166100, Orphanet 3450, MedGen C1848488, MONDO:0008490, OMIM 184840.
Autosomal recessive nonsyndromic hearing loss 53. Identifiers: Orphanet 90636, MedGen C1864746, MONDO:0012333, OMIM 609706.
Autosomal dominant nonsyndromic hearing loss 13. Identifiers: Orphanet 90635, MedGen C1866095, MONDO:0011159, OMIM 601868.
Otospondylomegaepiphyseal dysplasia, autosomal recessive (OSMEDB). Also called: CHONDRODYSTROPHY WITH SENSORINEURAL DEAFNESS; Insley-Astley syndrome. Identifiers: Orphanet 1427, MedGen CN034493, MONDO:0044206, OMIM 215150.

Submissions (3):

Fulgent Genetics
Classification: Likely pathogenic for Otospondylomegaepiphyseal dysplasia, autosomal dominant; Otospondylomegaepiphyseal dysplasia, autosomal recessive; Autosomal dominant nonsyndromic hearing loss 13; Autosomal recessive nonsyndromic hearing loss 53; Fibrochondrogenesis 2. Last evaluated: 2024-06-14. Review status: criteria provided, single submitter. Criteria: ACMG Guidelines, 2015. Collection method: clinical testing. Allele origin: germline.

Women's Health and Genetics/Laboratory Corporation of America, LabCorp
Classification: Uncertain significance. Last evaluated: 2024-06-14. Review status: criteria provided, single submitter. Criteria: LabCorp Variant Classification Summary - May 2015. Collection method: clinical testing. Allele origin: germline.
Comment: Variant summary: COL11A2 c.3827G>C (p.Gly1276Ala) results in a non-conservative amino acid change in the encoded protein sequence. Five of five in-silico tools predict a damaging effect of the variant on protein function. The variant was absent in 243382 control chromosomes. The available data on variant occurrences in the general population are insufficient to allow any conclusion about variant significance. To our knowledge, no occurrence of c.3827G>C in individuals affected with COL11A2-Related Disorders and no experimental evidence demonstrating its impact on protein function have been reported. ClinVar contains an entry for this variant (Variation ID: 2116161). Based on the evidence outlined above, the variant was classified as uncertain significance.

Labcorp Genetics (formerly Invitae), Labcorp
Classification: Uncertain significance. Last evaluated: 2022-03-23. Review status: criteria provided, single submitter. Criteria: Invitae Variant Classification Sherloc (09022015). Collection method: clinical testing. Allele origin: germline.
Comment: In summary, the available evidence is currently insufficient to determine the role of this variant in disease. Therefore, it has been classified as a Variant of Uncertain Significance. Advanced modeling of protein sequence and biophysical properties (such as structural, functional, and spatial information, amino acid conservation, physicochemical variation, residue mobility, and thermodynamic stability) performed at Invitae indicates that this missense variant is expected to disrupt COL11A2 protein function. This variant has not been reported in the literature in individuals affected with COL11A2-related conditions. This variant is not present in population databases (gnomAD no frequency). This sequence change replaces glycine, which is neutral and non-polar, with alanine, which is neutral and non-polar, at codon 1276 of the COL11A2 protein (p.Gly1276Ala).